The following is an entry in ClinVar:

ClinVar aggregate classification (germline): Uncertain significance (1 of 4 stars; one submission).

Conditions:
Carney complex, type 1 (CNC1). Also called: CARNEY COMPLEX, TYPE I; CARNEY MYXOMA-ENDOCRINE COMPLEX. Identifiers: Orphanet 1359, MedGen C2607929, MONDO:0008057, OMIM 160980.

Submission:

Labcorp Genetics (formerly Invitae), Labcorp
Classification: Uncertain significance for Carney complex, type 1. Last evaluated: 2023-04-17. Review status: criteria provided, single submitter. Criteria: Invitae Variant Classification Sherloc (09022015). Collection method: clinical testing. Allele origin: germline.
Comment: This sequence change replaces proline, which is neutral and non-polar, with leucine, which is neutral and non-polar, at codon 361 of the PRKAR1A protein (p.Pro361Leu). This variant is not present in population databases (gnomAD no frequency). This variant has not been reported in the literature in individuals affected with PRKAR1A-related conditions. Advanced modeling of protein sequence and biophysical properties (such as structural, functional, and spatial information, amino acid conservation, physicochemical variation, residue mobility, and thermodynamic stability) performed at Invitae indicates that this missense variant is expected to disrupt PRKAR1A protein function. In summary, the available evidence is currently insufficient to determine the role of this variant in disease. Therefore, it has been classified as a Variant of Uncertain Significance.

NM_002734.5(PRKAR1A):c.1082C>T (p.Pro361Leu)

Gene: PRKAR1A (protein kinase cAMP-dependent type I regulatory subunit alpha; plus strand). Cytogenetic location: 17q24.2.
Variant type: single nucleotide variant.
Coding change: c.1082C>T on transcript NM_002734.5 (MANE Select); coding-DNA position 1082, C replaced by T.
Protein change: p.Pro361Leu; replaces proline 361 with leucine.
Molecular consequence: missense variant. On other transcripts: intron variant (1).
Genome position (GRCh38, 1-based): chr17:68,530,385, C>T. VCF-style: chr17-68530385-C-T. GRCh37 (hg19) VCF-style: chr17-66526526-C-T.
Other names: c.1082C>T, p.Pro361Leu (NM_001276289.2, NM_001278433.2, NM_001369389.1 and 3 more transcripts); c.973+384C>T (NM_001276290.1); short protein forms P361L.
Identifiers: ClinVar variation 2821062 (VCV002821062.3), dbSNP rs2509447086, ClinGen allele CA400754804.